The following is an entry in ClinVar:

NM_000393.5(COL5A2):c.3445G>C (p.Gly1149Arg)

Gene: COL5A2 (collagen type V alpha 2 chain; minus strand). Cytogenetic location: 2q32.2.
Variant type: single nucleotide variant.
Coding change: c.3445G>C on transcript NM_000393.5 (MANE Select); coding-DNA position 3445, G replaced by C.
Protein change: p.Gly1149Arg; replaces glycine 1149 with arginine.
Molecular consequence: missense variant.
Genome position (GRCh38, 1-based): chr2:189,043,177, C>G on the plus strand (G>C on the coding strand, the complement: COL5A2 is on the minus strand). VCF-style: chr2-189043177-C-G. GRCh37 (hg19) VCF-style: chr2-189907903-C-G.
Other names: G934R; short protein forms G1149R.
Identifiers: ClinVar variation 17198 (VCV000017198.7), dbSNP rs121912930, ClinGen allele CA281080.

ClinVar aggregate classification (germline): Likely pathogenic. Review status: criteria provided, single submitter (1 of 4 stars). 2 submissions from 2 submitters: Likely pathogenic (1). 1 of the submissions does not count toward it. Last evaluated 2024-05-06.

Conditions:
Ehlers-Danlos syndrome, classic type, 1 (EDSCL1). Also called: Ehlers-Danlos Syndrome, Classic Type, COL5A1-Related; EDS I; Ehlers-Danlos syndrome, type 1; EHLERS-DANLOS SYNDROME, GRAVIS TYPE; EHLERS-DANLOS SYNDROME, SEVERE CLASSIC TYPE. Identifiers: MedGen C0268335, MONDO:0019567, OMIM 130000.
Ehlers-Danlos syndrome, classic type (cEDS). Identifiers: Orphanet 287, MedGen C4225429, MONDO:0007522.

Allele frequency attached by ClinVar (database versions not stated): ExAC 0.00001.

Submissions (2):

Labcorp Genetics (formerly Invitae), Labcorp
Classification: Likely pathogenic for Ehlers-Danlos syndrome, classic type, 1. Last evaluated: 2024-05-06. Review status: criteria provided, single submitter. Criteria: Invitae Variant Classification Sherloc (09022015). Collection method: clinical testing. Allele origin: germline.
Comment: This sequence change replaces glycine, which is neutral and non-polar, with arginine, which is basic and polar, at codon 1149 of the COL5A2 protein (p.Gly1149Arg). This variant is present in population databases (rs121912930, gnomAD 0.0009%). This missense change has been observed in individual(s) with Ehlers-Danlos syndrome (PMID: 9783710). It has also been observed to segregate with disease in related individuals. ClinVar contains an entry for this variant (Variation ID: 17198). Advanced modeling of protein sequence and biophysical properties (such as structural, functional, and spatial information, amino acid conservation, physicochemical variation, residue mobility, and thermodynamic stability) performed at Invitae indicates that this missense variant is expected to disrupt COL5A2 protein function with a positive predictive value of 80%. In summary, the currently available evidence indicates that the variant is pathogenic, but additional data are needed to prove that conclusively. Therefore, this variant has been classified as Likely Pathogenic.

OMIM
Classification: Pathogenic for EHLERS-DANLOS SYNDROME, CLASSIC TYPE, 2. Last evaluated: 1998-10-01. Review status: no assertion criteria provided. Collection method: literature only. Allele origin: germline. Not counted in ClinVar's aggregate classification.

Literature cited by the submitters: PubMed 9783710 (cited by Labcorp Genetics (formerly Invitae), Labcorp and OMIM).